The following is an entry in ClinVar:

ClinVar aggregate classification (germline): Uncertain significance (1 of 4 stars; one submission).

Submission:

Ambry Genetics
Classification: Uncertain significance. Last evaluated: 2025-08-26. Review status: criteria provided, single submitter. Criteria: Ambry Variant Classification Scheme 2023. Collection method: clinical testing. Allele origin: germline.
Comment: The p.G520C variant (also known as c.1558G>T), located in coding exon 1 of the TET2 gene, results from a G to T substitution at nucleotide position 1558. The glycine at codon 520 is replaced by cysteine, an amino acid with highly dissimilar properties. This amino acid position is conserved. In addition, this alteration is predicted to be tolerated by in silico analysis. Based on the available evidence, the clinical significance of this variant remains unclear.

NM_001127208.3(TET2):c.1558G>T (p.Gly520Cys)

Genes: TET2 (tet methylcytosine dioxygenase 2; plus strand), TET2-AS1 (TET2 antisense RNA 1; minus strand). Cytogenetic location: 4q24.
Variant type: single nucleotide variant.
Coding change: c.1558G>T on transcript NM_001127208.3 (MANE Select); coding-DNA position 1558, G replaced by T.
Protein change: p.Gly520Cys; replaces glycine 520 with cysteine.
Molecular consequence: missense variant.
Genome position (GRCh38, 1-based): chr4:105,235,500, G>T. VCF-style: chr4-105235500-G-T. GRCh37 (hg19) VCF-style: chr4-106156657-G-T.
Other names: c.1558G>T, p.Gly520Cys (NM_017628.4); short protein forms G520C.
Identifiers: ClinVar variation 4183035 (VCV004183035.1).